The following is an entry in ClinVar:

NM_000540.3(RYR1):c.6518A>G (p.Gln2173Arg)

Gene: RYR1 (ryanodine receptor 1; plus strand). Cytogenetic location: 19q13.2.
Variant type: single nucleotide variant.
Coding change: c.6518A>G on transcript NM_000540.3 (MANE Select); coding-DNA position 6518, A replaced by G.
Protein change: p.Gln2173Arg; replaces glutamine 2173 with arginine.
Molecular consequence: missense variant.
Genome position (GRCh38, 1-based): chr19:38,494,595, A>G. VCF-style: chr19-38494595-A-G. GRCh37 (hg19) VCF-style: chr19-38985235-A-G.
Other names: c.6518A>G, p.Gln2173Arg (NM_001042723.2); short protein forms Q2173R.
Identifiers: ClinVar variation 3075337 (VCV003075337.1), dbSNP rs2514276560, ClinGen allele CA405664395.

ClinVar aggregate classification (germline): Uncertain significance (1 of 4 stars; one submission).

Conditions:
Malignant hyperthermia, susceptibility to, 1 (MHS1). Also called: Anesthesia related hyperthermia; Malignant hyperpyrexia; Fulminating hyperpyrexia; Pharmacogenic myopathy; RYR1-Related Malignant Hyperthermia Susceptibility; Malignant hyperthermia suceptibility 1. Identifiers: Orphanet 423, MedGen C2930980, MONDO:0007783, OMIM 145600.

Submission:

All of Us Research Program, National Institutes of Health
Classification: Uncertain significance for Malignant hyperthermia, susceptibility to, 1. Last evaluated: 2024-01-11. Review status: criteria provided, single submitter. Criteria: ACMG Guidelines, 2015. Collection method: clinical testing. Allele origin: germline. Inheritance: Autosomal dominant inheritance. Observed: 1 variant allele, 1 heterozygote.
Comment: This study involves interpretation of variants in research participants for the purpose of population health screening. Participant phenotype was not available at the time of variant classification. Additional details can be found in publication PMID: 35346344, PMCID: PMC8962531